The following is an entry in ClinVar:

NM_004369.4(COL6A3):c.1699_1703del (p.Gln567fs)

Gene: COL6A3 (collagen type VI alpha 3 chain; minus strand). Cytogenetic location: 2q37.3.
Variant type: Deletion.
Coding change: c.1699_1703del on transcript NM_004369.4 (MANE Select); coding-DNA positions 1699 to 1703, 5 bases deleted (CAGCC; older notation c.1699_1703delCAGCC).
Protein change: p.Gln567fs; shifts the reading frame from glutamine 567.
Molecular consequence: frameshift variant.
Genome position (GRCh38, 1-based): chr2:237,381,109-237,381,113, GGCTG deleted on the plus strand (CAGCC on the coding strand, the reverse complement: COL6A3 is on the minus strand); deleting any 5 consecutive bases within chr2:237,381,109-237,381,114 gives the same sequence; the c. name uses the placement nearest the transcript's 3' end. VCF-style (leftmost placement, unchanged base first): chr2-237381108-AGGCTG-A. GRCh37 (hg19) VCF-style: chr2-238289751-AGGCTG-A.
Other names: c.478_482del, p.Gln160fs (NM_057166.5, NM_057164.5); c.1081_1085del, p.Gln361fs (NM_057167.4, NM_057165.5); short protein forms Q361fs, Q567fs, Q160fs.
Identifiers: ClinVar variation 2010711 (VCV002010711.4), dbSNP rs2469928713, ClinGen allele CA2580066111.

ClinVar aggregate classification (germline): Pathogenic (1 of 4 stars; one submission).

Conditions:
Bethlem myopathy 1A. Also called: MYOPATHY, BENIGN CONGENITAL, WITH CONTRACTURES; Bethlem myopathy 1; Bethlem Muscular Dystrophy. Identifiers: Orphanet 610, MedGen CN029274, MONDO:0024530, OMIM 158810.

Submission:

Labcorp Genetics (formerly Invitae), Labcorp
Classification: Pathogenic for Bethlem myopathy 1A. Last evaluated: 2022-06-25. Review status: criteria provided, single submitter. Criteria: Invitae Variant Classification Sherloc (09022015). Collection method: clinical testing. Allele origin: germline.
Comment: For these reasons, this variant has been classified as Pathogenic. This variant has not been reported in the literature in individuals affected with COL6A3-related conditions. This variant is not present in population databases (gnomAD no frequency). This sequence change creates a premature translational stop signal (p.Gln567Cysfs*23) in the COL6A3 gene. It is expected to result in an absent or disrupted protein product. Loss-of-function variants in COL6A3 are known to be pathogenic (PMID: 26004199).

Literature cited by the submitters: PubMed 26004199.